The following continues an entry in ClinVar:

NM_000402.4(G6PD):c.577G>A (p.Gly193Ser)

Gene: G6PD. ClinVar aggregate classification (germline): Pathogenic/Likely pathogenic. Pathogenic (21); Likely pathogenic (1).

Submissions 10 to 21 of 25:

ARUP Laboratories, Molecular Genetics and Genomics, ARUP Laboratories
Classification: Pathogenic. Last evaluated: 2023-12-21. Review status: criteria provided, single submitter. Criteria: ARUP Molecular Germline Variant Investigation Process 2024. Collection method: clinical testing. Allele origin: germline.
Comment: The G6PD c.487G>A;p.Gly163Ser variant (also known as G6PD Mahidol) has been published in the medical literature in individuals with G6PD deficiency and is associated with a mild to moderate decrease in enzyme activity (Huang 2008, Louicharoen 2009, Matsuoka 2007). This variant is also reported in ClinVar (Variation ID: 10367). This variant is found in the South Asian population with an allele frequency of 0.04% (7/19077 alleles) in the Genome Aggregation Database (v2.1.1). Computational analyses predict that this variant is deleterious (REVEL: 0.935). Based on available information, this variant is considered to be pathogenic. References: Huang Y et al. Purification and detailed study of two clinically different human glucose 6-phosphate dehydrogenase variants, G6PD(Plymouth) and G6PD(Mahidol): Evidence for defective protein folding as the basis of disease. Mol Genet Metab. 2008 Jan;93(1):44-53. PMID: 17959407. Louicharoen C et al. Positively selected G6PD-Mahidol mutation reduces Plasmodium vivax density in Southeast Asians. Science. 2009 Dec 11;326(5959):1546-9. PMID: 20007901. Matsuoka H et al. Seven different glucose-6-phosphate dehydrogenase variants including a new variant distributed in Lam Dong Province in southern Vietnam. Acta Med Okayama. 2007 Aug;61(4):213-9. PMID: 17726510.

Revvity Omics, Revvity
Classification: Pathogenic for Anemia, nonspherocytic hemolytic, due to G6PD deficiency. Last evaluated: 2023-10-30. Review status: criteria provided, single submitter. Criteria: ACMG Guidelines, 2015. Collection method: clinical testing. Allele origin: germline.

Neuberg Centre For Genomic Medicine, NCGM
Classification: Pathogenic for Anemia, nonspherocytic hemolytic, due to G6PD deficiency. Last evaluated: 2023-05-20. Review status: criteria provided, single submitter. Criteria: ACMG Guidelines, 2015. Collection method: clinical testing. Allele origin: germline. Inheritance: X-linked dominant inheritance. Affected: yes.
Comment: The observed missense c.487G>A(p.Gly163Ser) variant in G6PD gene has been reported previously in multiple individuals affected with glucose-6-phosphate dehydrogenase deficiency (Sarker SK, et al., 2016; Li Q, et al., 2015; Nuchprayoon I, et al., 2002). Published functional studies demonstrate that this variant is less stable than wild type in both thermostability and urea-induced inactivation tests, and is also impaired in its folding properties (Huang Y, et al., 2008). The p.Gly163Ser variant has been reported with allele frequency of 0.004% in gnomAD Exomes. This variant has been submitted to the ClinVar database as Likely Pathogenic / Pathogenic (multiple submissions). Computational evidences (Polyphen - Probably damaging, SIFT - Tolerated and MutationTaster - Disease causing) predict conflicting evidence on protein structure and function for this variant. The amino acid change p.Gly163Ser in G6PD is predicted as conserved by GERP++ and PhyloP across 100 vertebrates. The amino acid Gly at position 163 is changed to a Ser changing protein sequence and it might alter its composition and physico-chemical properties. For these reasons, this variant has been classified as Pathogenic.

Genetics and Molecular Pathology, SA Pathology
Classification: Pathogenic for Anemia, nonspherocytic hemolytic, due to G6PD deficiency. Last evaluated: 2023-02-07. Review status: criteria provided, single submitter. Criteria: ACMG Guidelines, 2015. Collection method: clinical testing. Allele origin: germline. Inheritance: X-linked recessive inheritance. Affected: yes.
Comment: The G6PD c.487G>A variant is classified as Pathogenic (PS3_Moderate, PS4, PM1, PM5, PP3) The G6PD c.487G>A variant is located in a splice region. The G6PD c.487G>A variant is a single nucleotide change in exon 6/13 of the G6PD gene, which is predicted to change the amino acid glycine at position 163 in the protein to serine. The variant is commonly reported in patients with a clinical presentation of Glucose-6-phosphate dehydrogenase deficiency and haemolytic anaemia (HGMD:CM890050) (PS4). A molecular modelling of G6PD(p.Gly163Ser) was performed based on the X-ray structure of human G6PD. It is suggested that Ser-163 might affect the stability of G6PD alpha-helix d and beta-strand E, besides the conformation of beta-strand D. In conclusion, the biochemical and structural properties of G6PD(p.Gly163Ser) and G6PD(WT) enzymes are significantly different, which may be responsible for clinical diversity of G6PD deficiencies. (Lu et al, 2011; PMID: 22165289) (PS3_moderate). This variant is located in the conserved binding domain of the G6PD protein (PM1). This variant is a missense change at an amino acid residue where the different missense change p.Gly163Asphas been seen before (PMID:8364584) (PM5). Computational predictions support a deleterious effect on the gene or gene product (PP3). The variant has been reported in dbSNP (rs137852314) and in the HGMD database: CM890050. It has been reported as Pathogenic by other diagnostic laboratories (ClinVar Variation ID: 10367).

Women's Health and Genetics/Laboratory Corporation of America, LabCorp
Classification: Pathogenic for G6PD deficiency. Last evaluated: 2022-09-08. Review status: criteria provided, single submitter. Criteria: LabCorp Variant Classification Summary - May 2015. Collection method: clinical testing. Allele origin: germline.
Comment: Variant summary: G6PD c.577G>A (p.Gly193Ser) results in a non-conservative amino acid change located in the Glucose-6-phosphate dehydrogenase, NAD-binding domain (IPR022674) of the encoded protein sequence. Five of five in-silico tools predict a damaging effect of the variant on protein function. The variant allele was found at a frequency of 4.4e-05 in 181825 control chromosomes. c.577G>A, also known as G6PD Mahidol has been widely reported in the literature in multiple individuals affected with Glucose 6 Phosphate Dehydrogenase Deficiency and is considered among one of the most frequent mutations described among individuals of Vietnamese ancestry (example, Bancone_2019). These data indicate that the variant is very likely to be associated with disease. Mahidol variant has been shown to cause low or very low enzymatic activity in RBCs and is associated with relatively high hemolytic risk by 8-aminoquinolines treatment (cited in Bancone_2019). Ten clinical diagnostic laboratories have submitted clinical-significance assessments for this variant to ClinVar after 2014 without evidence for independent evaluation. All laboratories classified the variant as pathogenic/likely pathogenic. Based on the evidence outlined above, the variant was classified as pathogenic.

Dunham Lab, University of Washington
Classification: Pathogenic for Anemia, nonspherocytic hemolytic, due to G6PD deficiency. Last evaluated: 2022-08-12. Review status: criteria provided, single submitter. Criteria: Bayesian ACMG Guidelines, 2018. Collection method: curation. Allele origin: unknown. Affected: yes.
Comment: Variant found in unrelated hemizygotes with deficiency, some with jaundice, favism, and anemia (PS4_M, PP4). Decreased activity in red blood cells (0-30%) (PS3). Predicted to be damaging by SIFT and PolyPhen (PP3). Below expected carrier frequency in gnomAD (PM2). Reported as pathogenic by multiple clinical testing groups (PP5). Post_P 0.997 (odds of pathogenicity 3155, Prior_P 0.1).

Mendelics
Classification: Pathogenic for Anemia, nonspherocytic hemolytic, due to G6PD deficiency. Last evaluated: 2022-05-04. Review status: criteria provided, single submitter. Criteria: Mendelics Assertion Criteria 2019. Collection method: clinical testing. Allele origin: germline.

Broad Center for Mendelian Genomics, Broad Institute of MIT and Harvard
Classification: Pathogenic for Anemia, nonspherocytic hemolytic, due to G6PD deficiency. Last evaluated: 2018-12-03. Review status: criteria provided, single submitter. Criteria: ACMG Guidelines, 2015. Collection method: research. Allele origin: germline. Inheritance: X-linked inheritance. Affected: yes.
Comment: This variant has been identified in 0.03657% (7/19142) of South Asian chromosomes, including 3 hemizygous individuals, and 0.01442% (2/13869) of East Asian chromosomes by the Genome Aggregation Database (gnomAD; dbSNP rs137852314). Please note that for diseases with clinical variability, or reduced penetrance, pathogenic variants may be present at a low frequency in the general population. Although this variant has been seen in the general population, most individuals with non-spherocytic hemolytic anemia due to G6PD deficiency are asymptomatic. This variant has been reported pathogenic in ClinVar (Variation ID: 10367). The p.Gly193Ser variant in G6PD has been reported in 75 Southeast Asian individuals with G6PD Deficiency in the literature (PMID: 27880809, 2503817, 11499668, 15349799). The prevalence of this variant in affected individuals is significantly increased compared to the prevalence in large population studies, supporting pathogenicity. In vitro functional studies provide some evidence that the p.Gly193Ser variant may impact protein stability, activity, (PMID: 17959407, 8118045). In summary, the p.Gly193Ser variant is pathogenic. ACMG/AMP Criteria applied: PP3, PS3, PS4 (Richards 2015).

Fulgent Genetics
Classification: Pathogenic for Anemia, nonspherocytic hemolytic, due to G6PD deficiency; Malaria, susceptibility to. Last evaluated: 2018-10-31. Review status: criteria provided, single submitter. Criteria: ACMG Guidelines, 2015. Collection method: clinical testing. Allele origin: unknown.

CENTOGENE GmbH and LLC - Guiding Precision Medicine
Classification: Likely pathogenic for Anemia, nonspherocytic hemolytic, due to G6PD deficiency. Last evaluated: 2017-04-21. Review status: criteria provided, single submitter. Criteria: ACMG Guidelines, 2015. Collection method: clinical testing. Allele origin: germline.

Eurofins Ntd Llc (ga)
Classification: Pathogenic. Last evaluated: 2016-06-02. Review status: criteria provided, single submitter. Criteria: EGL Classification Definitions 2015. Collection method: clinical testing. Allele origin: germline. Observed: 3 variant alleles, 3 heterozygotes.

Juno Genomics, Hangzhou Juno Genomics, Inc
Classification: Pathogenic for Anemia, nonspherocytic hemolytic, due to G6PD deficiency; Malaria, susceptibility to. Review status: criteria provided, single submitter. Criteria: ACMG Guidelines, 2015. Collection method: clinical testing. Allele origin: germline.
Comment: Absent from controls (or at extremely low frequency if recessive) in Genome Aggregation Database.;Well-established in vitro or in vivo functional studies supportive of a damaging effect on the gene or gene product.;The prevalence of the variant in affected individuals is significantly increased compared to the prevalence in controls.;Patient's phenotype or family history is highly specific for a disease with a single genetic etiology.